The following is an entry in ClinVar:

ClinVar aggregate classification (germline): Likely benign (0 of 4 stars; one submission).

Conditions:
NRP1-related disorder. Also called: NRP1-related condition.

gnomAD v4.1: 23 of 1,610,686 alleles (0.0014%); highest among the groups gnomAD compares: Non-Finnish European, 0.0019%; no homozygotes.

Submission:

PreventionGenetics, part of Exact Sciences
Classification: Likely benign for NRP1-related condition. Last evaluated: 2021-10-05. Review status: no assertion criteria provided. Collection method: clinical testing. Allele origin: germline.
Comment: This variant is classified as likely benign based on ACMG/AMP sequence variant interpretation guidelines (Richards et al. 2015 PMID: 25741868, with internal and published modifications).

NM_003873.7(NRP1):c.658+6A>T

Gene: NRP1 (neuropilin 1; minus strand). Cytogenetic location: 10p11.22.
Variant type: single nucleotide variant.
Coding change: c.658+6A>T on transcript NM_003873.7 (MANE Select); 6 bases into the intron after coding-DNA position 658, A replaced by T.
Molecular consequence: intron variant.
Genome position (GRCh38, 1-based): chr10:33,263,640, T>A on the plus strand (A>T on the coding strand, the complement: NRP1 is on the minus strand). VCF-style: chr10-33263640-T-A. GRCh37 (hg19) VCF-style: chr10-33552568-T-A.
Other names: c.658+6A>T (NM_001244973.2, NM_001244972.2, NM_001330068.2 and 2 more transcripts).
Identifiers: ClinVar variation 3350904 (VCV003350904.1).